The following is an entry in ClinVar:

NM_001231.5(CASQ1):c.401G>A (p.Gly134Glu)

Gene: CASQ1 (calsequestrin 1; plus strand). Cytogenetic location: 1q23.2.
Variant type: single nucleotide variant.
Coding change: c.401G>A on transcript NM_001231.5 (MANE Select); coding-DNA position 401, G replaced by A.
Protein change: p.Gly134Glu; replaces glycine 134 with glutamic acid.
Molecular consequence: missense variant.
Genome position (GRCh38, 1-based): chr1:160,193,783, G>A. VCF-style: chr1-160193783-G-A. GRCh37 (hg19) VCF-style: chr1-160163573-G-A.
Other names: c.401G>A (NM_001231.4); short protein forms G134E.
Identifiers: ClinVar variation 3610092 (VCV003610092.3).
Genomic context (GRCh38, chr1:160,193,783, plus strand): 5'-CCCTGCGCCCGGCTCACTCCCTAGGCCTAACTGAAGTGGACAGCATGTATGTATTCAAGG[G>A]AGATGAAGTCATTGAGTACGATGGCGAGTTTTCTGCTGACACCATCGTGGAGTTTCTGCT-3'
Protein context (NP_001222.3, residues 124-144): TEVDSMYVFK[Gly134Glu]DEVIEYDGEF

ClinVar aggregate classification (germline): Uncertain significance. Review status: criteria provided, multiple submitters, no conflicts (2 of 4 stars). 2 submissions from 2 submitters: Uncertain significance (2). Last evaluated 2025-07-12.

Conditions:
Inborn genetic diseases. Identifiers: MedGen C0950123, MeSH D030342.

Submissions (2):

Ambry Genetics
Classification: Uncertain significance for Inborn genetic diseases. Last evaluated: 2025-07-12. Review status: criteria provided, single submitter. Criteria: Ambry Variant Classification Scheme 2023. Collection method: clinical testing. Allele origin: germline.

Labcorp Genetics (formerly Invitae), Labcorp
Classification: Uncertain significance. Last evaluated: 2025-03-11. Review status: criteria provided, single submitter. Criteria: Invitae Variant Classification Sherloc (09022015). Collection method: clinical testing. Allele origin: germline.
Comment: This sequence change replaces glycine, which is neutral and non-polar, with glutamic acid, which is acidic and polar, at codon 134 of the CASQ1 protein (p.Gly134Glu). This variant is present in population databases (no rsID available, gnomAD 0.0009%). This variant has not been reported in the literature in individuals affected with CASQ1-related conditions. Invitae Evidence Modeling of protein sequence and biophysical properties (such as structural, functional, and spatial information, amino acid conservation, physicochemical variation, residue mobility, and thermodynamic stability) indicates that this missense variant is not expected to disrupt CASQ1 protein function with a negative predictive value of 80%. In summary, the available evidence is currently insufficient to determine the role of this variant in disease. Therefore, it has been classified as a Variant of Uncertain Significance.